The following is an entry in ClinVar:

NM_001082538.3(TCTN1):c.1271T>C (p.Leu424Pro)

Gene: TCTN1 (tectonic family member 1; plus strand). Cytogenetic location: 12q24.11.
Variant type: single nucleotide variant.
Coding change: c.1271T>C on transcript NM_001082538.3 (MANE Select); coding-DNA position 1271, T replaced by C.
Protein change: p.Leu424Pro; replaces leucine 424 with proline.
Molecular consequence: missense variant. On other transcripts: intron variant (2).
Genome position (GRCh38, 1-based): chr12:110,642,329, T>C. VCF-style: chr12-110642329-T-C. GRCh37 (hg19) VCF-style: chr12-111080134-T-C.
Other names: c.1271T>C, p.Leu424Pro (NM_001082537.3); c.1103T>C, p.Leu368Pro (NM_001173975.3); c.737T>C, p.Leu246Pro (NM_001319681.2); c.1229T>C, p.Leu410Pro (NM_024549.6); c.1010+702T>C (NM_001173976.2); c.1190+702T>C (NM_001319680.2); short protein forms L246P, L424P, L410P, L368P.
Identifiers: ClinVar variation 883241 (VCV000883241.10), dbSNP rs751036661, ClinGen allele CA6786851.

ClinVar aggregate classification (germline): Uncertain significance. Review status: criteria provided, multiple submitters, no conflicts (2 of 4 stars). 2 submissions from 2 submitters: Uncertain significance (2). Last evaluated 2022-07-05.

Conditions:
Meckel-Gruber syndrome. Also called: DYSENCEPHALIA SPLANCHNOCYSTICA; GRUBER SYNDROME; Dysencephalia splachnocystica. Identifiers: Orphanet 564, MedGen C0265215, MONDO:0018921.
Joubert syndrome. Also called: CEREBELLOPARENCHYMAL DISORDER IV; JOUBERT-BOLTSHAUSER SYNDROME; Familial aplasia of the vermis. Identifiers: Orphanet 475, MedGen C5979921, MONDO:0018772.
Joubert syndrome 13 (JBTS13). Identifiers: Orphanet 475, MedGen C3280031, MONDO:0013608, OMIM 614173.

Allele frequency attached by ClinVar (database versions not stated): gnomAD 0.00001; TOPMed 0.00001; ExAC 0.00002; gnomAD exomes 0.00002.
gnomAD v4.1: 12 of 1,614,072 alleles (0.00074%); highest among the groups gnomAD compares: East Asian, 0.027%; no homozygotes.

Submissions (2):

Labcorp Genetics (formerly Invitae), Labcorp
Classification: Uncertain significance for Joubert syndrome; Meckel-Gruber syndrome. Last evaluated: 2022-07-05. Review status: criteria provided, single submitter. Criteria: Invitae Variant Classification Sherloc (09022015). Collection method: clinical testing. Allele origin: germline.
Comment: ClinVar contains an entry for this variant (Variation ID: 883241). In summary, the available evidence is currently insufficient to determine the role of this variant in disease. Therefore, it has been classified as a Variant of Uncertain Significance. Algorithms developed to predict the effect of missense changes on protein structure and function are either unavailable or do not agree on the potential impact of this missense change (SIFT: "Tolerated"; PolyPhen-2: "Possibly Damaging"; Align-GVGD: "Class C0"). This variant has not been reported in the literature in individuals affected with TCTN1-related conditions. This variant is present in population databases (rs751036661, gnomAD 0.02%). This sequence change replaces leucine, which is neutral and non-polar, with proline, which is neutral and non-polar, at codon 424 of the TCTN1 protein (p.Leu424Pro).

Illumina Laboratory Services, Illumina
Classification: Uncertain significance for Joubert syndrome 13. Last evaluated: 2018-01-13. Review status: criteria provided, single submitter. Criteria: ICSL Variant Classification Criteria 13 December 2019. Collection method: clinical testing. Allele origin: germline.